The following is an entry in ClinVar:

NM_001429.4(EP300):c.4656T>C (p.Asn1552=)

Gene: EP300 (E1A binding protein p300; plus strand). Cytogenetic location: 22q13.2.
Variant type: single nucleotide variant.
Coding change: c.4656T>C on transcript NM_001429.4 (MANE Select); coding-DNA position 4656, T replaced by C.
Protein change: p.Asn1552=; no amino-acid change (asparagine 1552 retained).
Molecular consequence: synonymous variant.
Genome position (GRCh38, 1-based): chr22:41,173,661, T>C. VCF-style: chr22-41173661-T-C. GRCh37 (hg19) VCF-style: chr22-41569665-T-C.
Other names: c.4578T>C, p.Asn1526= (NM_001362843.2).
Identifiers: ClinVar variation 3354753 (VCV003354753.1).
Genomic context (GRCh38, chr22:41,173,661, plus strand): 5'-TCTCCTTTGTGCTACTCTGCAGGTGACCAAGGGAGACAGCAAAAATGCTAAAAAGAAGAA[T>C]AATAAGAAAACCAGCAAAAATAAGAGCAGCCTGAGTAGGGGCAACAAGAAGAAACCCGGG-3'
Protein context (NP_001420.2, residues 1542-1562): KGDSKNAKKK[Asn1552=]NKKTSKNKSS

ClinVar aggregate classification (germline): Likely benign (0 of 4 stars; one submission).

Conditions:
EP300-related disorder. Also called: EP300-related disorders; EP300-related condition.

Submission:

PreventionGenetics, part of Exact Sciences
Classification: Likely benign for EP300-related condition. Last evaluated: 2022-02-17. Review status: no assertion criteria provided. Collection method: clinical testing. Allele origin: germline.
Comment: This variant is classified as likely benign based on ACMG/AMP sequence variant interpretation guidelines (Richards et al. 2015 PMID: 25741868, with internal and published modifications).